The following is an entry in ClinVar:

ClinVar aggregate classification (germline): Pathogenic/Likely pathogenic. Review status: criteria provided, multiple submitters, no conflicts (2 of 4 stars). 4 submissions from 4 submitters: Pathogenic (1); Likely pathogenic (3). Last evaluated 2026-09-17.

Conditions:
F7-related disorder. Also called: F7-related condition.
Congenital factor VII deficiency. Identifiers: Orphanet 327, MedGen C0272320, MONDO:0009211, OMIM 227500.
F7-related disorders.
Factor VII deficiency. Also called: F7 DEFICIENCY; HYPOPROCONVERTINEMIA; Factor 7 deficiency. Identifiers: MedGen C0015503, MeSH D005168, MONDO:0002244.

Allele frequency attached by ClinVar (database versions not stated): gnomAD exomes below 0.00001 and 0.00001; TOPMed below 0.00001; gnomAD 0.00001.
gnomAD v4.1: 9 of 1,612,810 alleles (0.00056%); highest among the groups gnomAD compares: East Asian, 0.0022%; no homozygotes.

Submissions (4):

PreventionGenetics, part of Exact Sciences
Classification: Pathogenic for F7-related condition. Last evaluated: 2026-09-17. Review status: criteria provided, single submitter. Criteria: ACMG Guidelines, 2015. Collection method: clinical testing. Allele origin: germline.
Comment: The F7 c.1027G>A variant is predicted to result in the amino acid substitution p.Gly343Ser. This variant, called p.Gly283Ser in legacy literature and referred to as c.961G>A (p.Gly321Ser) in the alternate transcript NM_019616, has been reported as a common recurrent variant in the homozygous state or in combination with another F7 variant in multiple individuals with factor VII deficiency (see for example, Lee et al. 2008. PubMed ID: 18180623; Cai et al. 2022. PubMed ID: 36572978; Ravanbod et al. 2022. PubMed ID: 36760778). Although the majority of individuals with this variant have severe factor VII deficiency, asymptomatic individuals have also been reported, although they were noted to have reduced F7 enzyme activity (Kwon et al. 2011. PubMed ID: 21206266). This variant is reported in 0.0016% of alleles in individuals of European (non-Finnish) descent in gnomAD. This variant is interpreted as pathogenic.

Women's Health and Genetics/Laboratory Corporation of America, LabCorp
Classification: Likely pathogenic for Congenital factor VII deficiency. Last evaluated: 2023-07-24. Review status: criteria provided, single submitter. Criteria: LabCorp Variant Classification Summary - May 2015. Collection method: clinical testing. Allele origin: germline.
Comment: Variant summary: F7 c.1027G>A (p.Gly343Ser) results in a non-conservative amino acid change located in the Serine proteases, trypsin domain (IPR001254) of the encoded protein sequence. Five of five in-silico tools predict a damaging effect of the variant on protein function. The variant allele was found at a frequency of 4e-06 in 249298 control chromosomes (gnomAD). c.1027G>A has been reported in the literature as a biallelic genotype in individuals affected with Congenital factor VII deficiency (e.g. Lee_2008, Kwon_2011, Tang_2019, Cai_2023) and in at least one heterozygous individual with a coagulation disorder (Downes_2019). These data indicate that the variant is likely to be associated with disease. To our knowledge, no experimental evidence demonstrating an impact on protein function has been reported. The following publications have been ascertained in the context of this evaluation (PMID: 31064749, 21206266, 18180623, 35349734, 36572978). One ClinVar submitter has assessed the variant since 2014, and classified the variant as likely pathogenic. Based on the evidence outlined above, the variant was classified as likely pathogenic.

Blueprint Genetics
Classification: Likely pathogenic for F7-related disorders. Last evaluated: 2022-04-06. Review status: criteria provided, single submitter. Criteria: ACMG Guidelines, 2015. Collection method: clinical testing. Allele origin: germline. Affected: yes. Observed: 1 variant allele.

NIHR Bioresource Rare Diseases, University of Cambridge
Classification: Likely pathogenic for Congenital factor VII deficiency. Last evaluated: 2019-02-01. Review status: criteria provided, single submitter. Criteria: ACMG Guidelines, 2015. Collection method: research. Allele origin: unknown. Affected: yes. Observed: 1 heterozygote. Study: ThromboGenomics.

Literature cited by the submitters: PubMed 31064749 (cited by Women's Health and Genetics/Laboratory Corporation of America, LabCorp and NIHR Bioresource Rare Diseases, University of Cambridge); PubMed 36572978 (cited by Women's Health and Genetics/Laboratory Corporation of America, LabCorp); PubMed 21206266 (cited by Women's Health and Genetics/Laboratory Corporation of America, LabCorp); PubMed 18180623 (cited by Women's Health and Genetics/Laboratory Corporation of America, LabCorp); PubMed 35349734 (cited by Women's Health and Genetics/Laboratory Corporation of America, LabCorp).

NM_019616.4(F7):c.961G>A (p.Gly321Ser)

Gene: F7 (coagulation factor VII; plus strand). Cytogenetic location: 13q34.
Variant type: single nucleotide variant.
Coding change: c.961G>A on transcript NM_019616.4 (MANE Select); coding-DNA position 961, G replaced by A.
Protein change: p.Gly321Ser; replaces glycine 321 with serine.
Molecular consequence: missense variant. On other transcripts: non-coding transcript variant (1).
Genome position (GRCh38, 1-based): chr13:113,118,634, G>A. VCF-style: chr13-113118634-G-A. GRCh37 (hg19) VCF-style: chr13-113772948-G-A.
Other names: c.1027G>A, p.Gly343Ser (NM_000131.5); c.775G>A, p.Gly259Ser (NM_001267554.2); short protein forms G321S, G343S, G259S.
Identifiers: ClinVar variation 627193 (VCV000627193.5), dbSNP rs1250853566, ClinGen allele CA388786198.